The following is an entry in ClinVar:

ClinVar aggregate classification (germline): Uncertain significance (1 of 4 stars; one submission).

Conditions:
Cardiovascular phenotype. Identifiers: MedGen CN230736.

gnomAD v4.1: 1 of 1,539,134 alleles (0.000065%); no homozygotes.

Submission:

Ambry Genetics
Classification: Uncertain significance for Cardiovascular phenotype. Last evaluated: 2023-11-09. Review status: criteria provided, single submitter. Criteria: Ambry Variant Classification Scheme 2023. Collection method: clinical testing. Allele origin: germline.
Comment: The p.C3089F variant (also known as c.9266G>T), located in coding exon 2 of the ZNF469 gene, results from a G to T substitution at nucleotide position 9266. The cysteine at codon 3089 is replaced by phenylalanine, an amino acid with highly dissimilar properties. This amino acid position is conserved. In addition, the in silico prediction for this alteration is inconclusive. Since supporting evidence is limited at this time, the clinical significance of this alteration remains unclear.

NM_001367624.2(ZNF469):c.9350G>T (p.Cys3117Phe)

Gene: ZNF469 (zinc finger protein 469; plus strand). Cytogenetic location: 16q24.2.
Variant type: single nucleotide variant.
Coding change: c.9350G>T on transcript NM_001367624.2 (MANE Select); coding-DNA position 9350, G replaced by T.
Protein change: p.Cys3117Phe; replaces cysteine 3117 with phenylalanine.
Molecular consequence: missense variant.
Genome position (GRCh38, 1-based): chr16:88,436,820, G>T. VCF-style: chr16-88436820-G-T. GRCh37 (hg19) VCF-style: chr16-88503228-G-T.
Other names: NM_001127464.1:c.9266G>T; short protein forms C3117F.
Identifiers: ClinVar variation 3232880 (VCV003232880.1), dbSNP rs1315606351, ClinGen allele CA397121941.